The following is an entry in ClinVar:

NM_130839.5(UBE3A):c.1789dup (p.Trp597fs)

Genes: SNHG14 (small nucleolar RNA host gene 14; plus strand), UBE3A (ubiquitin protein ligase E3A; minus strand). Cytogenetic location: 15q11.2.
Variant type: Duplication.
Coding change: c.1789dup on transcript NM_130839.5 (MANE Select); coding-DNA position 1789, one base duplicated (T; older notation c.1789dupT).
Protein change: p.Trp597fs; shifts the reading frame from tryptophan 597.
Molecular consequence: frameshift variant. On other transcripts: non-coding transcript variant (1).
Genome position (GRCh38, 1-based): chr15:25,356,861, A duplicated on the plus strand (T on the coding strand, the reverse complement: UBE3A is on the minus strand); the first of 4 consecutive A bases (chr15:25,356,861-25,356,864); duplicating any one gives the same sequence. VCF-style (leftmost placement, unchanged base first): chr15-25356860-C-CA. GRCh37 (hg19) VCF-style: chr15-25602007-C-CA.
Other names: c.1798dup, p.Trp600fs (NM_000462.5); c.1789dup, p.Trp597fs (NM_001354505.1, NM_001354538.2, NM_001354545.2); c.1729dup, p.Trp577fs (NM_001354506.2, NM_001354507.2, NM_001354508.2 and 17 more transcripts); c.1612dup, p.Trp538fs (NM_001354546.2); c.538dup, p.Trp180fs (NM_001354550.2); c.478dup, p.Trp160fs (NM_001354551.2); short protein forms W160fs, W538fs, W577fs, W597fs, W180fs, W600fs.
Identifiers: ClinVar variation 817151 (VCV000817151.1), dbSNP rs1595601899, ClinGen allele CA915946480.

ClinVar aggregate classification (germline): Pathogenic (1 of 4 stars; one submission).

Submission:

GeneDx
Classification: Pathogenic. Last evaluated: 2018-07-19. Review status: criteria provided, single submitter. Criteria: GeneDx Variant Classification (06012015). Collection method: clinical testing. Allele origin: germline. Affected: yes.
Comment: The c.1729dupT pathogenic variant in the UBE3A gene causes a frameshift starting with codon Tryptophan 577, changes this amino acid to a Leucine residue and creates a premature Stop codon at position 3 of the new reading frame, denoted p.Trp577LeufsX3. This pathogenic variant is predicted to cause loss of normal protein function either through protein truncation or nonsense-mediated mRNA decay. The c.1729dupT variant is not observed in large population cohorts (Lek et al., 2016).